The following is an entry in ClinVar:

NM_006904.7(PRKDC):c.8508G>T (p.Leu2836Phe)

Gene: PRKDC (protein kinase, DNA-activated, catalytic subunit; minus strand). Cytogenetic location: 8q11.21.
Variant type: single nucleotide variant.
Coding change: c.8508G>T on transcript NM_006904.7 (MANE Select); coding-DNA position 8508, G replaced by T.
Protein change: p.Leu2836Phe; replaces leucine 2836 with phenylalanine.
Molecular consequence: missense variant.
Genome position (GRCh38, 1-based): chr8:47,828,237, C>A on the plus strand (G>T on the coding strand, the complement: PRKDC is on the minus strand). VCF-style: chr8-47828237-C-A. GRCh37 (hg19) VCF-style: chr8-48740798-C-A.
Other names: c.8508G>T, p.Leu2836Phe (NM_001081640.2); short protein forms L2836F.
Identifiers: ClinVar variation 1480362 (VCV001480362.3), dbSNP rs758382134, ClinGen allele CA4739808.
Genomic context (GRCh38, chr8:47,828,237, plus strand): 5'-AGAGACAAAGGGTGGAAAGAAAGAGAAGGTGGTATTAAGAAAACGATTGAAGTCTTGAAG[C>A]AACTTTTGAGTGATGTTGTTTTTTTCAGACAGTGTCTTAAATTTATCCATCTCTTTCAAA-3'
Protein context (NP_008835.5, residues 2826-2846): LSEKNNITQK[Leu2836Phe]LQDFNRFLNT

ClinVar aggregate classification (germline): Uncertain significance (1 of 4 stars; one submission).

Conditions:
Severe combined immunodeficiency due to DNA-PKcs deficiency. Also called: IMMUNODEFICIENCY 26 WITH NEUROLOGIC ABNORMALITIES; Immunodeficiency 26 with or without neurologic abnormalities. Identifiers: Orphanet 317425, MedGen C4014833, MONDO:0014423, OMIM 615966.

Allele frequency attached by ClinVar (database versions not stated): gnomAD exomes 0.00001 and 0.00002; ExAC 0.00002.
gnomAD v4.1: 26 of 1,613,586 alleles (0.0016%); highest among the groups gnomAD compares: Non-Finnish European, 0.0021%; no homozygotes.

Submission:

Labcorp Genetics (formerly Invitae), Labcorp
Classification: Uncertain significance for Severe combined immunodeficiency due to DNA-PKcs deficiency. Last evaluated: 2022-03-19. Review status: criteria provided, single submitter. Criteria: Invitae Variant Classification Sherloc (09022015). Collection method: clinical testing. Allele origin: germline.
Comment: This sequence change replaces leucine, which is neutral and non-polar, with phenylalanine, which is neutral and non-polar, at codon 2836 of the PRKDC protein (p.Leu2836Phe). This variant is present in population databases (rs758382134, gnomAD 0.002%). This variant has not been reported in the literature in individuals affected with PRKDC-related conditions. Experimental studies and prediction algorithms are not available or were not evaluated, and the functional significance of this variant is currently unknown. In summary, the available evidence is currently insufficient to determine the role of this variant in disease. Therefore, it has been classified as a Variant of Uncertain Significance.